The following is an entry in ClinVar:

NM_133459.4(CCBE1):c.901C>T (p.Arg301Trp)

Gene: CCBE1 (collagen and calcium binding EGF domains 1; minus strand). Cytogenetic location: 18q21.32.
Variant type: single nucleotide variant.
Coding change: c.901C>T on transcript NM_133459.4 (MANE Select); coding-DNA position 901, C replaced by T.
Protein change: p.Arg301Trp; replaces arginine 301 with tryptophan.
Molecular consequence: missense variant.
Genome position (GRCh38, 1-based): chr18:59,439,691, G>A on the plus strand (C>T on the coding strand, the complement: CCBE1 is on the minus strand). VCF-style: chr18-59439691-G-A. GRCh37 (hg19) VCF-style: chr18-57106923-G-A.
Other names: short protein forms R301W.
Identifiers: ClinVar variation 1031118 (VCV001031118.5), dbSNP rs375717418, ClinGen allele CA8980297.

ClinVar aggregate classification (germline): Uncertain significance. Review status: criteria provided, multiple submitters, no conflicts (2 of 4 stars). 3 submissions from 3 submitters: Uncertain significance (3). Last evaluated 2025-04-13.

Conditions:
Inborn genetic diseases. Identifiers: MedGen C0950123, MeSH D030342.
Hennekam lymphangiectasia-lymphedema syndrome 1 (HKLLS1). Also called: LYMPHATIC DYSPLASIA, GENERALIZED. Identifiers: Orphanet 2136, MedGen C4012050, MONDO:0009337, OMIM 235510.

Allele frequency attached by ClinVar (database versions not stated): ExAC 0.00007; ESP Exome Variant Server 0.00008; gnomAD 0.00008 and 0.00009; TOPMed 0.00010; gnomAD exomes 0.00007.
gnomAD v4.1: 158 of 1,614,116 alleles (0.0098%); highest among the groups gnomAD compares: Non-Finnish European, 0.012%; no homozygotes.

Submissions (3):

Ambry Genetics
Classification: Uncertain significance for Inborn genetic diseases. Last evaluated: 2025-04-13. Review status: criteria provided, single submitter. Criteria: Ambry Variant Classification Scheme 2023. Collection method: clinical testing. Allele origin: germline.

Labcorp Genetics (formerly Invitae), Labcorp
Classification: Uncertain significance. Last evaluated: 2022-08-20. Review status: criteria provided, single submitter. Criteria: Invitae Variant Classification Sherloc (09022015). Collection method: clinical testing. Allele origin: germline.
Comment: This sequence change replaces arginine, which is basic and polar, with tryptophan, which is neutral and slightly polar, at codon 301 of the CCBE1 protein (p.Arg301Trp). This variant is present in population databases (rs375717418, gnomAD 0.01%). This variant has not been reported in the literature in individuals affected with CCBE1-related conditions. ClinVar contains an entry for this variant (Variation ID: 1031118). Algorithms developed to predict the effect of missense changes on protein structure and function are either unavailable or do not agree on the potential impact of this missense change (SIFT: "Deleterious"; PolyPhen-2: "Probably Damaging"; Align-GVGD: "Class C0"). In summary, the available evidence is currently insufficient to determine the role of this variant in disease. Therefore, it has been classified as a Variant of Uncertain Significance.

Baylor Genetics
Classification: Uncertain significance for Hennekam lymphangiectasia-lymphedema syndrome 1. Last evaluated: 2019-06-30. Review status: criteria provided, single submitter. Criteria: ACMG Guidelines, 2015. Collection method: clinical testing. Allele origin: unknown. Affected: yes.
Comment: This variant was determined to be of uncertain significance according to ACMG Guidelines, 2015 [PMID:25741868].